The following is an entry in ClinVar:

NM_012463.4(ATP6V0A2):c.2203C>T (p.Gln735Ter)

Gene: ATP6V0A2 (ATPase H+ transporting V0 subunit a2; plus strand). Cytogenetic location: 12q24.31.
Variant type: single nucleotide variant.
Coding change: c.2203C>T on transcript NM_012463.4 (MANE Select); coding-DNA position 2203, C replaced by T.
Protein change: p.Gln735Ter; replaces glutamine 735 with a stop codon.
Molecular consequence: nonsense.
Genome position (GRCh38, 1-based): chr12:123,754,447, C>T. VCF-style: chr12-123754447-C-T. GRCh37 (hg19) VCF-style: chr12-124238994-C-T.
Other names: short protein forms Q735*.
Identifiers: ClinVar variation 1074631 (VCV001074631.7), dbSNP rs2135920743, ClinGen allele CA387156046.

ClinVar aggregate classification (germline): Pathogenic (1 of 4 stars; one submission).

Conditions:
ALG9 congenital disorder of glycosylation (CDG1L). Also called: CONGENITAL DISORDER OF GLYCOSYLATION, TYPE Il; CDG Il; ALG9-CDG. Identifiers: Orphanet 79328, MedGen C2931006, MONDO:0012117, OMIM 608776.

Submission:

Labcorp Genetics (formerly Invitae), Labcorp
Classification: Pathogenic for ALG9 congenital disorder of glycosylation. Last evaluated: 2023-12-07. Review status: criteria provided, single submitter. Criteria: Invitae Variant Classification Sherloc (09022015). Collection method: clinical testing. Allele origin: germline.
Comment: This sequence change creates a premature translational stop signal (p.Gln735*) in the ATP6V0A2 gene. It is expected to result in an absent or disrupted protein product. Loss-of-function variants in ATP6V0A2 are known to be pathogenic (PMID: 18157129, 19321599). This variant is not present in population databases (gnomAD no frequency). This variant has not been reported in the literature in individuals affected with ATP6V0A2-related conditions. ClinVar contains an entry for this variant (Variation ID: 1074631). Algorithms developed to predict the effect of sequence changes on RNA splicing suggest that this variant may disrupt the consensus splice site. For these reasons, this variant has been classified as Pathogenic.

Literature cited by the submitters: PubMed 18157129; PubMed 19321599.